The following is an entry in ClinVar:

NM_024753.5(TTC21B):c.1185+23C>G

Gene: TTC21B (tetratricopeptide repeat domain 21B; minus strand). Cytogenetic location: 2q24.3.
Variant type: single nucleotide variant.
Coding change: c.1185+23C>G on transcript NM_024753.5 (MANE Select); 23 bases into the intron after coding-DNA position 1185, C replaced by G.
Molecular consequence: intron variant.
Genome position (GRCh38, 1-based): chr2:165,929,627, G>C on the plus strand (C>G on the coding strand, the complement: TTC21B is on the minus strand). VCF-style: chr2-165929627-G-C. GRCh37 (hg19) VCF-style: chr2-166786137-G-C.
Other names: NC_000002.11:g.166786137G>C.
Identifiers: ClinVar variation 675171 (VCV000675171.3), dbSNP rs62177816, ClinGen allele CA1942214.
Genomic context (GRCh38, chr2:165,929,627, plus strand): 5'-ATTACAAAACAATAAGACTGATTAATAATTTCATATTTTATAAACAGCTAGCATCTACCA[G>C]CTGATAAAATAAAATACTGTACCGCAGATTTTCCAATGGATTGCTGGATTTCATTTAAAA-3'

ClinVar aggregate classification (germline): Benign. Review status: criteria provided, multiple submitters, no conflicts (2 of 4 stars). 2 submissions from 2 submitters: Benign (2). Last evaluated 2018-06-19.

Allele frequency attached by ClinVar (database versions not stated): 1000 Genomes Project 0.01657; 1000 Genomes Project 30x 0.01718; TOPMed 0.02855; gnomAD exomes 0.03298; gnomAD 0.03364 and 0.03486; ESP Exome Variant Server 0.03462; ExAC 0.03897.
gnomAD v4.1: 68,988 of 1,505,878 alleles (4.6%); highest among the groups gnomAD compares: Non-Finnish European, 5.5%; 1,889 homozygotes.

Submissions (22):

GeneDx
Classification: Benign. Last evaluated: 2018-06-19. Review status: criteria provided, single submitter. Criteria: GeneDx Variant Classification (06012015). Collection method: clinical testing. Allele origin: germline. Affected: yes.
Comment: This variant is considered likely benign or benign based on one or more of the following criteria: it is a conservative change, it occurs at a poorly conserved position in the protein, it is predicted to be benign by multiple in silico algorithms, and/or has population frequency not consistent with disease.

Breakthrough Genomics
Classification: Benign. Review status: criteria provided, single submitter. Criteria: ACMG Guidelines, 2015. Collection method: not provided. Allele origin: germline. Inheritance: Autosomal recessive inheritance. Affected: yes.

Dr. Peter K. Rogan Lab, Western University
No classification provided (evidence only). Condition: Acute myeloid leukemia. Review status: no classification provided. Collection method: in vitro. Allele origin: not applicable. Functional consequence: retained intron. Not counted in ClinVar's aggregate classification.

Dr. Peter K. Rogan Lab, Western University
No classification provided (evidence only). Condition: Acute myeloid leukemia. Review status: no classification provided. Collection method: in vitro. Allele origin: not applicable. Functional consequence: retained intron. Not counted in ClinVar's aggregate classification.

Dr. Peter K. Rogan Lab, Western University
No classification provided (evidence only). Condition: Acute myeloid leukemia. Review status: no classification provided. Collection method: in vitro. Allele origin: not applicable. Functional consequence: retained intron. Not counted in ClinVar's aggregate classification.

Dr. Peter K. Rogan Lab, Western University
No classification provided (evidence only). Condition: Acute myeloid leukemia. Review status: no classification provided. Collection method: in vitro. Allele origin: not applicable. Functional consequence: retained intron. Not counted in ClinVar's aggregate classification.

Dr. Peter K. Rogan Lab, Western University
No classification provided (evidence only). Condition: Acute myeloid leukemia. Review status: no classification provided. Collection method: in vitro. Allele origin: not applicable. Functional consequence: retained intron. Not counted in ClinVar's aggregate classification.

Dr. Peter K. Rogan Lab, Western University
No classification provided (evidence only). Condition: Uterine corpus endometrial carcinoma. Review status: no classification provided. Collection method: in vitro. Allele origin: not applicable. Functional consequence: retained intron. Not counted in ClinVar's aggregate classification.

Dr. Peter K. Rogan Lab, Western University
No classification provided (evidence only). Condition: Cervical cancer. Review status: no classification provided. Collection method: in vitro. Allele origin: not applicable. Functional consequence: retained intron. Not counted in ClinVar's aggregate classification.

Dr. Peter K. Rogan Lab, Western University
No classification provided (evidence only). Condition: Sarcoma. Review status: no classification provided. Collection method: in vitro. Allele origin: not applicable. Functional consequence: retained intron. Not counted in ClinVar's aggregate classification.

Dr. Peter K. Rogan Lab, Western University
No classification provided (evidence only). Condition: Sarcoma. Review status: no classification provided. Collection method: in vitro. Allele origin: not applicable. Functional consequence: retained intron. Not counted in ClinVar's aggregate classification.

Dr. Peter K. Rogan Lab, Western University
No classification provided (evidence only). Condition: Sarcoma. Review status: no classification provided. Collection method: in vitro. Allele origin: not applicable. Functional consequence: retained intron. Not counted in ClinVar's aggregate classification.

Dr. Peter K. Rogan Lab, Western University
No classification provided (evidence only). Condition: Thymoma. Review status: no classification provided. Collection method: in vitro. Allele origin: not applicable. Functional consequence: retained intron. Not counted in ClinVar's aggregate classification.

Dr. Peter K. Rogan Lab, Western University
No classification provided (evidence only). Condition: Chronic lymphocytic leukemia/small lymphocytic lymphoma. Review status: no classification provided. Collection method: in vitro. Allele origin: not applicable. Functional consequence: retained intron. Not counted in ClinVar's aggregate classification.

Dr. Peter K. Rogan Lab, Western University
No classification provided (evidence only). Condition: Chronic lymphocytic leukemia/small lymphocytic lymphoma. Review status: no classification provided. Collection method: in vitro. Allele origin: not applicable. Functional consequence: retained intron. Not counted in ClinVar's aggregate classification.

Dr. Peter K. Rogan Lab, Western University
No classification provided (evidence only). Condition: Chronic lymphocytic leukemia/small lymphocytic lymphoma. Review status: no classification provided. Collection method: in vitro. Allele origin: not applicable. Functional consequence: retained intron. Not counted in ClinVar's aggregate classification.

Dr. Peter K. Rogan Lab, Western University
No classification provided (evidence only). Condition: Nonpapillary renal cell carcinoma. Review status: no classification provided. Collection method: in vitro. Allele origin: not applicable. Functional consequence: retained intron. Not counted in ClinVar's aggregate classification.

Dr. Peter K. Rogan Lab, Western University
No classification provided (evidence only). Condition: Familial pancreatic carcinoma. Review status: no classification provided. Collection method: in vitro. Allele origin: not applicable. Functional consequence: retained intron. Not counted in ClinVar's aggregate classification.

Dr. Peter K. Rogan Lab, Western University
No classification provided (evidence only). Condition: Familial pancreatic carcinoma. Review status: no classification provided. Collection method: in vitro. Allele origin: not applicable. Functional consequence: retained intron. Not counted in ClinVar's aggregate classification.

Dr. Peter K. Rogan Lab, Western University
No classification provided (evidence only). Condition: Familial pancreatic carcinoma. Review status: no classification provided. Collection method: in vitro. Allele origin: not applicable. Functional consequence: retained intron. Not counted in ClinVar's aggregate classification.

Dr. Peter K. Rogan Lab, Western University
No classification provided (evidence only). Condition: Familial pancreatic carcinoma. Review status: no classification provided. Collection method: in vitro. Allele origin: not applicable. Functional consequence: retained intron. Not counted in ClinVar's aggregate classification.

Dr. Peter K. Rogan Lab, Western University
No classification provided (evidence only). Condition: Familial pancreatic carcinoma. Review status: no classification provided. Collection method: in vitro. Allele origin: not applicable. Functional consequence: retained intron. Not counted in ClinVar's aggregate classification.